The following is an entry in ClinVar:

NM_030665.4(RAI1):c.5600T>C (p.Ile1867Thr)

Gene: RAI1 (retinoic acid induced 1; plus strand). Cytogenetic location: 17p11.2.
Variant type: single nucleotide variant.
Coding change: c.5600T>C on transcript NM_030665.4 (MANE Select); coding-DNA position 5600, T replaced by C.
Protein change: p.Ile1867Thr; replaces isoleucine 1867 with threonine.
Molecular consequence: missense variant.
Genome position (GRCh38, 1-based): chr17:17,803,790, T>C. VCF-style: chr17-17803790-T-C. GRCh37 (hg19) VCF-style: chr17-17707104-T-C.
Other names: short protein forms I1867T.
Identifiers: ClinVar variation 3581707 (VCV003581707.3).

ClinVar aggregate classification (germline): Conflicting classifications of pathogenicity. Review status: criteria provided, conflicting classifications (1 of 4 stars). 2 submissions from 2 submitters: Likely pathogenic (1); Uncertain significance (1). Last evaluated 2024-09-27.

Conditions:
Smith-Magenis syndrome (SMS). Also called: CHROMOSOME 17p11.2 DELETION SYNDROME. Identifiers: Orphanet 819, MedGen C0795864, MONDO:0008434, OMIM 182290.

gnomAD v4.1: 9 of 1,613,374 alleles (0.00056%); highest among the groups gnomAD compares: East Asian, 0.0022%; no homozygotes.

Submissions (2):

Labcorp Genetics (formerly Invitae), Labcorp
Classification: Uncertain significance. Last evaluated: 2024-09-27. Review status: criteria provided, single submitter. Criteria: Invitae Variant Classification Sherloc (09022015). Collection method: clinical testing. Allele origin: germline.
Comment: This sequence change replaces isoleucine, which is neutral and non-polar, with threonine, which is neutral and polar, at codon 1867 of the RAI1 protein (p.Ile1867Thr). This variant is present in population databases (no rsID available, gnomAD 0.005%). This variant has not been reported in the literature in individuals affected with RAI1-related conditions. Invitae Evidence Modeling of protein sequence and biophysical properties (such as structural, functional, and spatial information, amino acid conservation, physicochemical variation, residue mobility, and thermodynamic stability) indicates that this missense variant is not expected to disrupt RAI1 protein function with a negative predictive value of 80%. In summary, the available evidence is currently insufficient to determine the role of this variant in disease. Therefore, it has been classified as a Variant of Uncertain Significance.

Fulgent Genetics
Classification: Likely pathogenic for Smith-Magenis syndrome. Last evaluated: 2024-01-08. Review status: criteria provided, single submitter. Criteria: ACMG Guidelines, 2015. Collection method: clinical testing. Allele origin: germline.